The following is an entry in ClinVar:

NM_002382.5(MAX):c.39A>G (p.Glu13=)

Gene: MAX (MYC associated transcriptional regulator X; minus strand). Cytogenetic location: 14q23.3.
Variant type: single nucleotide variant.
Coding change: c.39A>G on transcript NM_002382.5 (MANE Select); coding-DNA position 39, A replaced by G.
Protein change: p.Glu13=; no amino-acid change (glutamic acid 13 retained).
Molecular consequence: synonymous variant. On other transcripts: 5 prime UTR variant (1), intron variant (3).
Genome position (GRCh38, 1-based): chr14:65,101,570, T>C on the plus strand (A>G on the coding strand, the complement: MAX is on the minus strand). VCF-style: chr14-65101570-T-C. GRCh37 (hg19) VCF-style: chr14-65568288-T-C.
Other names: c.-236A>G (NM_001320415.2); c.39A>G, p.Glu13= (NM_145113.3, NM_145114.3, NM_197957.4); c.36+734A>G (NM_001271069.2, NM_145112.3, NM_001271068.2); c.39A>G (NM_002382.3).
Identifiers: ClinVar variation 1106097 (VCV001106097.11), dbSNP rs780941187, ClinGen allele CA7232998.

ClinVar aggregate classification (germline): Benign/Likely benign. Review status: criteria provided, multiple submitters, no conflicts (2 of 4 stars). 3 submissions from 3 submitters: Benign (1); Likely benign (2). Last evaluated 2026-06-08.

Conditions:
Pheochromocytoma. Also called: MAX-Related Hereditary Paraganglioma-Pheochromocytoma Syndrome. Identifiers: Orphanet 29072, MedGen C0031511, MONDO:0008233, OMIM 171300, HP:0002666.
Hereditary cancer-predisposing syndrome. Also called: Neoplastic Syndromes, Hereditary; Tumor predisposition; Hereditary Cancer Syndrome; Hereditary neoplastic syndrome. Identifiers: Orphanet 140162, MedGen C0027672, MeSH D009386, MONDO:0015356.
Hereditary pheochromocytoma and paraganglioma. Also called: Hereditary pheochromocytoma-paraganglioma; Hereditary paragangliomas and pheochromocytomas; Hereditary Paraganglioma-Pheochromocytoma Syndromes. Identifiers: Orphanet 29072, MedGen C4274332, MONDO:0017366.

Allele frequency attached by ClinVar (database versions not stated): gnomAD exomes below 0.00001 and 0.00001; gnomAD 0.00001 and 0.00002; TOPMed below 0.00001; ExAC 0.00001.
gnomAD v4.1: 10 of 1,606,866 alleles (0.00062%); highest among the groups gnomAD compares: African/African-American, 0.0013%; no homozygotes.

Submissions (3):

Myriad Genetics, Inc.
Classification: Benign for Pheochromocytoma. Last evaluated: 2026-06-08. Review status: criteria provided, single submitter. Criteria: Myriad Autosomal Dominant, Autosomal Recessive and X-Linked Classification Criteria (2023). Collection method: clinical testing. Allele origin: unknown.
Comment: This variant is considered benign. This variant is a silent/synonymous amino acid change and it is not expected to impact splicing.

Ambry Genetics
Classification: Likely benign for Hereditary cancer-predisposing syndrome. Last evaluated: 2025-05-19. Review status: criteria provided, single submitter. Criteria: Ambry Variant Classification Scheme 2023. Collection method: clinical testing. Allele origin: germline.

Labcorp Genetics (formerly Invitae), Labcorp
Classification: Likely benign for Hereditary pheochromocytoma and paraganglioma. Last evaluated: 2023-09-27. Review status: criteria provided, single submitter. Criteria: Invitae Variant Classification Sherloc (09022015). Collection method: clinical testing. Allele origin: germline.